The following is an entry in ClinVar:

NM_020774.4(MIB1):c.2726C>A (p.Pro909His)

Gene: MIB1 (MIB E3 ubiquitin protein ligase 1; plus strand). Cytogenetic location: 18q11.2.
Variant type: single nucleotide variant.
Coding change: c.2726C>A on transcript NM_020774.4 (MANE Select); coding-DNA position 2726, C replaced by A.
Protein change: p.Pro909His; replaces proline 909 with histidine.
Molecular consequence: missense variant.
Genome position (GRCh38, 1-based): chr18:21,857,190, C>A. VCF-style: chr18-21857190-C-A. GRCh37 (hg19) VCF-style: chr18-19437151-C-A.
Other names: short protein forms P909H.
Identifiers: ClinVar variation 2448818 (VCV002448818.2), dbSNP rs2510604311, ClinGen allele CA401797559.

ClinVar aggregate classification (germline): Uncertain significance (1 of 4 stars; one submission).

Conditions:
Inborn genetic diseases. Identifiers: MedGen C0950123, MeSH D030342.

Submission:

Ambry Genetics
Classification: Uncertain significance for Inborn genetic diseases. Last evaluated: 2023-03-08. Review status: criteria provided, single submitter. Criteria: Ambry Variant Classification Scheme 2023. Collection method: clinical testing. Allele origin: germline.
Comment: The p.P909H variant (also known as c.2726C>A), located in coding exon 19 of the MIB1 gene, results from a C to A substitution at nucleotide position 2726. The proline at codon 909 is replaced by histidine, an amino acid with similar properties. This amino acid position is conserved. In addition, this alteration is predicted to be deleterious by in silico analysis. Since supporting evidence is limited at this time, the clinical significance of this alteration remains unclear.